The following is an entry in ClinVar:

ClinVar aggregate classification (germline): Pathogenic (1 of 4 stars; one submission).

Submission:

Labcorp Genetics (formerly Invitae), Labcorp
Classification: Pathogenic. Last evaluated: 2023-11-28. Review status: criteria provided, single submitter. Criteria: Invitae Variant Classification Sherloc (09022015). Collection method: clinical testing. Allele origin: unknown.
Comment: A gross deletion of the genomic region encompassing the full coding sequence of the DCX gene has been identified. Loss-of-function variants in DCX are known to be pathogenic (PMID: 11175293, 23365099). The boundaries of this event are unknown as they extend beyond the assayed region for this gene and therefore may encompass additional genes. A similar copy number variant has been observed in individual(s) with clinical features of DCX-related conditions (PMID: 31481326). For these reasons, this variant has been classified as Pathogenic.

Literature cited by the submitters: PubMed 11175293; PubMed 23365099; PubMed 31481326.

NC_000023.10:g.(?_109919459)_(110653626_?)del

Genes: CAPN6 (calpain 6; minus strand), CHRDL1 (chordin like 1; minus strand), DCX (doublecortin; minus strand), PAK3 (p21 (RAC1) activated kinase 3; plus strand). Cytogenetic location: Xq23.
Variant type: Deletion.
Identifiers: ClinVar variation 3246938 (VCV003246938.1).